The following is an entry in ClinVar:

NM_001267550.2(TTN):c.6007del (p.Arg2003fs)

Gene: TTN (titin; minus strand). Cytogenetic location: 2q31.2.
Variant type: Deletion.
Coding change: c.6007del on transcript NM_001267550.2 (MANE Select); coding-DNA position 6007, one base deleted (C; older notation c.6007delC).
Protein change: p.Arg2003fs; shifts the reading frame from arginine 2003.
Molecular consequence: frameshift variant.
Genome position (GRCh38, 1-based): chr2:178,775,857, G deleted on the plus strand (C on the coding strand, the reverse complement: TTN is on the minus strand). VCF-style (leftmost placement, unchanged base first): chr2-178775856-CG-C. GRCh37 (hg19) VCF-style: chr2-179640583-CG-C.
Other names: c.6007del, p.Arg2003fs (NM_001256850.1, NM_133378.4, NM_133379.5); c.5869del, p.Arg1957fs (NM_003319.4, NM_133432.3, NM_133437.4); short protein forms R1957fs, R2003fs.
Identifiers: ClinVar variation 3893256 (VCV003893256.1).

ClinVar aggregate classification (germline): Likely pathogenic (1 of 4 stars; one submission).

Conditions:
Primary dilated cardiomyopathy (DCM). Also called: Dilated Cardiomyopathy. Identifiers: Orphanet 217604, MedGen C0007193, MeSH D002311, MONDO:0005021, HP:0001644. Inheritance: Various modes of inheritance.

Submission:

Illumina Laboratory Services, Illumina
Classification: Likely pathogenic for Primary dilated cardiomyopathy. Last evaluated: 2024-04-11. Review status: criteria provided, single submitter. Criteria: ICSLVariantClassificationCriteria RUGD 01 April 2020. Collection method: clinical testing. Allele origin: unknown.
Comment: The TTN c.6007del p.(Arg2003AlafsTer43) variant causes a shift in the protein reading frame that is predicted to result in premature termination of the protein. Loss of normal protein function through nonsense-mediated mRNA decay is expected. This variant is located in exon 28 of the meta transcript of titin within the Z-disc, which is highly expressed in cardiac tissue (PMID: 25589632). In a meta-analysis of TTN truncating variants in DCM patients and controls, variants in this region were associated with a significantly increased risk of developing DCM (odds ratio 5.3) (PMID: 27869827). This variant is not observed in version 2.1.1 or version 4.0.0 of the Genome Aggregation Database. Based on the available evidence, the c.6007del p.(Arg2003AlafsTer43) variant is classified as likely pathogenic for dilated cardiomyopathy.

Literature cited by the submitters: PubMed 25589632; PubMed 27869827.